The following is an entry in ClinVar:

ClinVar aggregate classification (germline): Conflicting classifications of pathogenicity. Review status: criteria provided, conflicting classifications (1 of 4 stars). 2 submissions from 2 submitters: Likely pathogenic (1); Uncertain significance (1). Last evaluated 2025-05-15.

Conditions:
Autosomal recessive nonsyndromic hearing loss 3. Also called: NEUROSENSORY NONSYNDROMIC RECESSIVE DEAFNESS 3. Identifiers: Orphanet 90636, MedGen C1838263, MONDO:0010860, OMIM 600316.

Allele frequency attached by ClinVar (database versions not stated): gnomAD exomes below 0.00001; ExAC 0.00001; gnomAD 0.00001.
gnomAD v4.1: 5 of 1,612,106 alleles (0.00031%); highest among the groups gnomAD compares: African/African-American, 0.0013%; no homozygotes.

Submissions (2):

Women's Health and Genetics/Laboratory Corporation of America, LabCorp
Classification: Uncertain significance. Last evaluated: 2025-05-15. Review status: criteria provided, single submitter. Criteria: LabCorp Variant Classification Summary - May 2015. Collection method: clinical testing. Allele origin: germline.
Comment: Variant summary: MYO15A c.263C>T (p.Thr88Met) results in a non-conservative amino acid change in the encoded protein sequence. Algorithms developed to predict the effect of missense changes on protein structure and function are either unavailable or do not agree on the potential impact of this missense change. The variant allele was found at a frequency of 4.1e-06 in 241764 control chromosomes. c.263C>T has been observed in individual(s) affected with Autosomal Recessive Nonsyndromic Hearing Loss 3 (Truong_2019). These data indicate that the variant may be associated with disease. To our knowledge, no experimental evidence demonstrating an impact on protein function has been reported. The following publication have been ascertained in the context of this evaluation (PMID: 30828794). ClinVar contains an entry for this variant (Variation ID: 626215). Based on the evidence outlined above, the variant was classified as VUS-possibly pathogenic.

Santos-Cortez Lab, University of Colorado School of Medicine
Classification: Likely pathogenic for Autosomal recessive nonsyndromic hearing loss 3. Last evaluated: 2019-01-17. Review status: criteria provided, single submitter. Criteria: Submitter's publication. Collection method: research. Allele origin: germline. Inheritance: Autosomal recessive inheritance. Affected: yes.

Literature cited by the submitters: PubMed 30828794 (cited by Women's Health and Genetics/Laboratory Corporation of America, LabCorp).

NM_016239.4(MYO15A):c.263C>T (p.Thr88Met)

Gene: MYO15A (myosin XVA; plus strand). Cytogenetic location: 17p11.2.
Variant type: single nucleotide variant.
Coding change: c.263C>T on transcript NM_016239.4 (MANE Select); coding-DNA position 263, C replaced by T.
Protein change: p.Thr88Met; replaces threonine 88 with methionine.
Molecular consequence: missense variant.
Genome position (GRCh38, 1-based): chr17:18,119,063, C>T. VCF-style: chr17-18119063-C-T. GRCh37 (hg19) VCF-style: chr17-18022377-C-T.
Other names: short protein forms T88M.
Identifiers: ClinVar variation 626215 (VCV000626215.3), dbSNP rs773648511, ClinGen allele CA8422795.